The following is an entry in ClinVar:

ClinVar aggregate classification (germline): Uncertain significance. Review status: criteria provided, multiple submitters, no conflicts (2 of 4 stars). 2 submissions from 2 submitters: Uncertain significance (2). Last evaluated 2023-02-06.

Conditions:
Cardiovascular phenotype. Identifiers: MedGen CN230736.
Alstrom syndrome (ALMS). Identifiers: Orphanet 64, MedGen C0268425, MONDO:0008763, OMIM 203800.

Allele frequency attached by ClinVar (database versions not stated): gnomAD exomes below 0.00001.
gnomAD v4.1: 2 of 1,613,086 alleles (0.00012%); highest among the groups gnomAD compares: Non-Finnish European, 0.00017%; no homozygotes.

Submissions (2):

Ambry Genetics
Classification: Uncertain significance for Cardiovascular phenotype. Last evaluated: 2023-02-06. Review status: criteria provided, single submitter. Criteria: Ambry Variant Classification Scheme 2023. Collection method: clinical testing. Allele origin: germline.
Comment: The p.E3462K variant (also known as c.10384G>A), located in coding exon 15 of the ALMS1 gene, results from a G to A substitution at nucleotide position 10384. The glutamic acid at codon 3462 is replaced by lysine, an amino acid with similar properties. This amino acid position is poorly conserved in available vertebrate species. In addition, this alteration is predicted to be tolerated by in silico analysis. Since supporting evidence is limited at this time, the clinical significance of this alteration remains unclear.

Labcorp Genetics (formerly Invitae), Labcorp
Classification: Uncertain significance for Alstrom syndrome. Last evaluated: 2022-07-13. Review status: criteria provided, single submitter. Criteria: Invitae Variant Classification Sherloc (09022015). Collection method: clinical testing. Allele origin: germline.
Comment: This sequence change replaces glutamic acid, which is acidic and polar, with lysine, which is basic and polar, at codon 3462 of the ALMS1 protein (p.Glu3462Lys). This variant is not present in population databases (gnomAD no frequency). This variant has not been reported in the literature in individuals affected with ALMS1-related conditions. Experimental studies and prediction algorithms are not available or were not evaluated, and the functional significance of this variant is currently unknown. In summary, the available evidence is currently insufficient to determine the role of this variant in disease. Therefore, it has been classified as a Variant of Uncertain Significance.

NM_001378454.1(ALMS1):c.10381G>A (p.Glu3461Lys)

Gene: ALMS1 (ALMS1 centrosome and basal body associated protein; plus strand). Cytogenetic location: 2p13.1.
Variant type: single nucleotide variant.
Coding change: c.10381G>A on transcript NM_001378454.1 (MANE Select); coding-DNA position 10381, G replaced by A.
Protein change: p.Glu3461Lys; replaces glutamic acid 3461 with lysine.
Molecular consequence: missense variant.
Genome position (GRCh38, 1-based): chr2:73,559,139, G>A. VCF-style: chr2-73559139-G-A. GRCh37 (hg19) VCF-style: chr2-73786266-G-A.
Other names: c.10384G>A, p.Glu3462Lys (NM_015120.4); short protein forms E3461K, E3462K.
Identifiers: ClinVar variation 2420768 (VCV002420768.5), dbSNP rs2466408909, ClinGen allele CA347278358.